The following is an entry in ClinVar:

ClinVar aggregate classification (germline): Uncertain significance (1 of 4 stars; one submission).

Allele frequency attached by ClinVar (database versions not stated): gnomAD exomes below 0.00001; gnomAD 0.00001.
gnomAD v4.1: 2 of 1,614,058 alleles (0.00012%); highest among the groups gnomAD compares: Admixed American, 0.0017%; no homozygotes.

Submission:

Labcorp Genetics (formerly Invitae), Labcorp
Classification: Uncertain significance. Last evaluated: 2025-10-26. Review status: criteria provided, single submitter. Criteria: Invitae Variant Classification Sherloc (09022015). Collection method: clinical testing. Allele origin: germline.
Comment: This sequence change replaces serine, which is neutral and polar, with asparagine, which is neutral and polar, at codon 1197 of the ADGRA3 protein (p.Ser1197Asn). This variant is present in population databases (no rsID available, gnomAD 0.0009%). This variant has not been reported in the literature in individuals affected with ADGRA3-related conditions. ClinVar contains an entry for this variant (Variation ID: 1510136). An algorithm developed to predict the effect of missense changes on protein structure and function (PolyPhen-2) suggests that this variant is likely to be disruptive. In summary, the available evidence is currently insufficient to determine the role of this variant in disease. Therefore, it has been classified as a Variant of Uncertain Significance.

NM_145290.4(ADGRA3):c.3590G>A (p.Ser1197Asn)

Gene: ADGRA3 (adhesion G protein-coupled receptor A3; minus strand). Cytogenetic location: 4p15.2.
Variant type: single nucleotide variant.
Coding change: c.3590G>A on transcript NM_145290.4 (MANE Select); coding-DNA position 3590, G replaced by A.
Protein change: p.Ser1197Asn; replaces serine 1197 with asparagine.
Molecular consequence: missense variant.
Genome position (GRCh38, 1-based): chr4:22,388,081, C>T on the plus strand (G>A on the coding strand, the complement: ADGRA3 is on the minus strand). VCF-style: chr4-22388081-C-T. GRCh37 (hg19) VCF-style: chr4-22389704-C-T.
Other names: short protein forms S1197N.
Identifiers: ClinVar variation 1510136 (VCV001510136.8), dbSNP rs1353305478, ClinGen allele CA356472114.